The following is an entry in ClinVar:

NM_005559.4(LAMA1):c.5009-1G>T

Gene: LAMA1 (laminin subunit alpha 1; minus strand). Cytogenetic location: 18p11.31.
Variant type: single nucleotide variant.
Coding change: c.5009-1G>T on transcript NM_005559.4 (MANE Select); the canonical splice acceptor site of the intron before coding-DNA position 5009, G replaced by T.
Molecular consequence: splice acceptor variant.
Genome position (GRCh38, 1-based): chr18:6,992,721, C>A on the plus strand (G>T on the coding strand, the complement: LAMA1 is on the minus strand). VCF-style: chr18-6992721-C-A. GRCh37 (hg19) VCF-style: chr18-6992720-C-A.
Identifiers: ClinVar variation 5005906 (VCV005005906.2).

ClinVar aggregate classification (germline): Likely pathogenic (1 of 4 stars; one submission).

Conditions:
Ataxia - intellectual disability - oculomotor apraxia - cerebellar cysts syndrome. Also called: Poretti-Boltshauser syndrome. Identifiers: Orphanet 370022, MedGen C4014821, MONDO:0014419, OMIM 615960.

Submission:

Juno Genomics, Hangzhou Juno Genomics, Inc
Classification: Likely pathogenic for Ataxia - intellectual disability - oculomotor apraxia - cerebellar cysts syndrome. Review status: criteria provided, single submitter. Criteria: ACMG Guidelines, 2015. Collection method: clinical testing. Allele origin: germline.
Comment: Null variant in a gene where loss of function (LOF) is a known mechanism of disease.;Absent from controls (or at extremely low frequency if recessive) in Genome Aggregation Database.